The following is an entry in ClinVar:

ClinVar aggregate classification (germline): Uncertain significance (1 of 4 stars; one submission).

Conditions:
Cardiovascular phenotype. Identifiers: MedGen CN230736.

Submission:

Ambry Genetics
Classification: Uncertain significance for Cardiovascular phenotype. Last evaluated: 2024-10-27. Review status: criteria provided, single submitter. Criteria: Ambry Variant Classification Scheme 2023. Collection method: clinical testing. Allele origin: germline.
Comment: The p.A2150G variant (also known as c.6449C>G), located in coding exon 2 of the ZNF469 gene, results from a C to G substitution at nucleotide position 6449. The alanine at codon 2150 is replaced by glycine, an amino acid with similar properties. This amino acid position is conserved. In addition, this alteration is predicted to be tolerated by in silico analysis. Based on the available evidence, the clinical significance of this variant remains unclear.

NM_001367624.2(ZNF469):c.6533C>G (p.Ala2178Gly)

Gene: ZNF469 (zinc finger protein 469; plus strand). Cytogenetic location: 16q24.2.
Variant type: single nucleotide variant.
Coding change: c.6533C>G on transcript NM_001367624.2 (MANE Select); coding-DNA position 6533, C replaced by G.
Protein change: p.Ala2178Gly; replaces alanine 2178 with glycine.
Molecular consequence: missense variant.
Genome position (GRCh38, 1-based): chr16:88,434,003, C>G. VCF-style: chr16-88434003-C-G. GRCh37 (hg19) VCF-style: chr16-88500411-C-G.
Other names: NM_001127464.1:c.6449C>G; short protein forms A2178G.
Identifiers: ClinVar variation 3476248 (VCV003476248.1).